The following is an entry in ClinVar:

NM_001130987.2(DYSF):c.4911G>T (p.Lys1637Asn)

Gene: DYSF (dysferlin; plus strand). Cytogenetic location: 2p13.2.
Variant type: single nucleotide variant.
Coding change: c.4911G>T on transcript NM_001130987.2 (MANE Select); coding-DNA position 4911, G replaced by T.
Protein change: p.Lys1637Asn; replaces lysine 1637 with asparagine.
Molecular consequence: missense variant.
Genome position (GRCh38, 1-based): chr2:71,659,033, G>T. VCF-style: chr2-71659033-G-T. GRCh37 (hg19) VCF-style: chr2-71886163-G-T.
Other names: NM_001130987.2(DYSF):c.4911G>T; p.Lys1637Asn; c.4911G>T (NM_001130987.1); c.4797G>T, p.Lys1599Asn (NM_001130455.2); c.4752G>T, p.Lys1584Asn (NM_001130976.2); c.4815G>T, p.Lys1605Asn (NM_001130977.2); c.4857G>T, p.Lys1619Asn (NM_001130978.2); c.4887G>T, p.Lys1629Asn (NM_001130979.2); and 8 more; short protein forms K1598N, K1619N, K1637N, K1585N, K1606N, K1616N, K1584N, K1636N.
Identifiers: ClinVar variation 94331 (VCV000094331.28), dbSNP rs141704244, ClinGen allele CA222176.

ClinVar aggregate classification (germline): Pathogenic. Review status: reviewed by expert panel (3 of 4 stars). 12 submissions from 12 submitters: Pathogenic (1). 11 of the submissions do not count toward it. Last evaluated 2025-06-24.

Conditions:
DYSF-related disorder. Also called: DYSF-related disorders; DYSF-related condition.
Miyoshi muscular dystrophy 1 (MMD1). Identifiers: Orphanet 45448, MedGen C4551973, MONDO:0024545, OMIM 254130.
Autosomal recessive limb-girdle muscular dystrophy type 2B (LGMDR2). Also called: MUSCULAR DYSTROPHY, LIMB-GIRDLE, TYPE 3; Limb-Girdle Muscular Dystrophy Type 2B (LGMD2B); MUSCULAR DYSTROPHY, LIMB-GIRDLE, AUTOSOMAL RECESSIVE 2; Limb-girdle muscular dystrophy, type 2B. Identifiers: Orphanet 268, MedGen C1850889, MONDO:0009676, OMIM 253601.
Distal myopathy with anterior tibial onset. Identifiers: Orphanet 178400, MedGen C1847532, MONDO:0011721, OMIM 606768.
Autosomal recessive limb-girdle muscular dystrophy. Identifiers: Orphanet 102015, MedGen C2931907, MONDO:0015152.
Neuromuscular disease caused by qualitative or quantitative defects of dysferlin. Also called: Qualitative or quantitative defects of dysferlin; Dysferlinopathy. Identifiers: Orphanet 207073, MedGen C2931687, MONDO:0016145.

Allele frequency attached by ClinVar (database versions not stated): TOPMed 0.00006; ESP Exome Variant Server 0.00015.
gnomAD v4.1: 219 of 1,613,984 alleles (0.014%); highest among the groups gnomAD compares: Non-Finnish European, 0.018%; no homozygotes.

Submissions 1 to 6 of 12:

ClinGen Limb Girdle Muscular Dystrophy Variant Curation Expert Panel, ClinGen
Classification: Pathogenic for Autosomal recessive limb-girdle muscular dystrophy. Last evaluated: 2025-06-24. Review status: reviewed by expert panel. Criteria: ClinGen LGMD VCEP ACMG Specifications DYSF V1.0.0. Collection method: curation. Allele origin: germline. Inheritance: Autosomal recessive inheritance.
Comment: The NM_003494.4: c.4794G>T variant in DYSF, which is also known as NM_001130987.2: c.4911G>T (p.Lys1637Asn), is a missense variant predicted to cause substitution of lysine by asparagine at amino acid 1598, p.(Lys1598Asn). This variant affects the last residue in exon 45 and is predicted to disrupt the consensus splice donor site (SpliceAI delta score 0.33) and strengthen an alternative splice site in the intron (SpliceAI delta score 0.63) (PP3). RNAseq analysis has demonstrated that this variant has a leaky splice effect, resulting in skipping of exon 43 and an inframe deletion, p.Gly1547_Lys1598del, in a subset of transcripts (PMID: 36983702). This variant has been detected in nine individuals with features consistent with LGMD (PMID: 33144682; 33610434; 30564623; 36983702; 27195159; ClinVar SCV005360734.1 internal data communication; LOVD DYSF_000170), including confirmed in trans with a likely pathogenic or pathogenic variant in two patients (NM_003494.4: c.4756C>T, p.(Arg1586Ter), 1.0 pt, LOVD Individual #00215321; NM_003494.4: c.6124C>T p.(Arg2042Cys), 1.0 pt, ClinVar SCV005360734.1 internal data communication). In at least four patients, it was reported in unknown phase with a pathogenic variant (NM_003494.4: c.857T>A p.(Val286Glu), 0.5 pts, PMID: 36983702); (NM_003494.4: c.6124C>T p.(Arg2042Cys), 0.5 pts x2, PMID: 36983702; PMID: 30564623; LOVD Individual #00220316); (NM_003494.4: c.755C>T p.(Thr252Met), 0.5 pts, PMID: 30564623; LOVD Individual #00219977) (PM3_Very Strong). At least one patient with this variant and a second presumed diagnostic variant in DYSF displayed a progressive limb girdle pattern of weakness and absent dysferlin protein expression in skeletal muscle, which is highly specific for DYSF-related LGMD (PP4_Strong, PMID: 27195159). The filtering allele frequency of this variant is 0.0002 for gnomAD v4.1.0 exomes (the upper threshold of the 95% CI of 201/1112000 European (non-Finnish) chromosomes), which is greater than the ClinGen LGMD VCEP threshold for PM2_Supporting (≤0.0001) (criterion not met). The Lys1598Asn protein was classified as functional in both 2A and ICC assays of dysferlin membrane localization (PMID: 35028538), and the REVEL score is 0.387. In summary, this variant meets the criteria to be classified as Pathogenic for autosomal recessive limb girdle muscular dystrophy based on the ACMG/AMP criteria applied, as specified by the ClinGen LGMD VCEP (LGMD VCEP specifications version 1.0.0; 06/24/2025): PP3, PM3_Very Strong, PP4_Strong.

Labcorp Genetics (formerly Invitae), Labcorp
Classification: Pathogenic for Neuromuscular disease caused by qualitative or quantitative defects of dysferlin. Last evaluated: 2026-01-24. Review status: criteria provided, single submitter. Criteria: Invitae Variant Classification Sherloc (09022015). Collection method: clinical testing. Allele origin: germline. Not counted in ClinVar's aggregate classification.
Comment: This sequence change replaces lysine, which is basic and polar, with asparagine, which is neutral and polar, at codon 1598 of the DYSF protein (p.Lys1598Asn). This variant also falls at the last nucleotide of exon 43, which is part of the consensus splice site for this exon. This variant is present in population databases (rs141704244, gnomAD 0.01%). This missense change has been observed in individual(s) with DYSF-related conditions (PMID: 21520333, 27195159, 30564623, 33610434, 36983702). In at least one individual the data is consistent with being in trans (on the opposite chromosome) from a pathogenic variant. ClinVar contains an entry for this variant (Variation ID: 94331). An algorithm developed to predict the effect of missense changes on protein structure and function (PolyPhen-2) suggests that this variant is likely to be disruptive. Variants that disrupt the consensus splice site are a relatively common cause of aberrant splicing (PMID: 17576681, 9536098). Studies have shown that this missense change is associated with altered splicing resulting in multiple RNA products (PMID: 36983702). For these reasons, this variant has been classified as Pathogenic.

Natera, Inc.
Classification: Likely pathogenic for Limb-girdle muscular dystrophy type 2B. Last evaluated: 2025-12-30. Review status: criteria provided, single submitter. Criteria: Natera Variant Classification Schema (03/2026). Collection method: clinical testing. Allele origin: germline. Not counted in ClinVar's aggregate classification.
Comment: The c.4794G>T variant in DYSF is a missense variant predicted to cause substitution of lysine to asparagine at amino acid 1598. This variant is rare in the general population with a frequency below the threshold expected for the associated phenotype(s). This variant has been observed in one or more individuals affected with the associated recessive disease, as either homozygous or compound heterozygous with a second variant (PMID: 36983702). Functional studies show that this variant may disrupt protein function (PMID: 36983702). Computational prediction algorithms indicate this variant is likely to affect gene or protein function. Given the available evidence, this variant is classified as Likely Pathogenic.

Women's Health and Genetics/Laboratory Corporation of America, LabCorp
Classification: Likely pathogenic for Autosomal recessive limb-girdle muscular dystrophy. Last evaluated: 2025-04-20. Review status: criteria provided, single submitter. Criteria: LabCorp Variant Classification Summary - May 2015. Collection method: clinical testing. Allele origin: germline. Not counted in ClinVar's aggregate classification.
Comment: Variant summary: DYSF c.4794G>T (p.Lys1598Asn) results in a non-conservative amino acid change located in the C2 domain (IPR000008) of the encoded protein sequence. Four of five in-silico tools predict a damaging effect of the variant on protein function. Several computational tools predict a significant impact on normal splicing: Three predict the variant weakens the canonical 5' splicing donor site. One predict the variant abolishes the canonical 5' splicing donor site. At least one publication reports experimental evidence that this variant affects mRNA splicing resulting in multiple RNA products (Rufibach_2023). The variant allele was found at a frequency of 6e-05 in 251434 control chromosomes. This frequency is not significantly higher than estimated for a pathogenic variant in DYSF causing Limb-Girdle Muscular Dystrophy, Autosomal Recessive (6e-05 vs 0.0031), allowing no conclusion about variant significance. c.4794G>T has been observed in individual(s) affected with dysferlinopathy, including limb-girdle muscular dystrophy and Miyoshi myopathy (Harris_2016, Swaika_2016, Nallamilli_2018, Klee_2021, Moore_2021). The LOVD database reports at-least one individual in whom the variant was confirmed to be in trans as a compound heterozygous genotype. The following publications have been ascertained in the context of this evaluation (PMID: 27602406, 33144682, 33610434, 30564623, 36983702, 27195159). ClinVar contains an entry for this variant (Variation ID: 94331). Based on the evidence outlined above, the variant was classified as likely pathogenic.

GeneDx
Classification: Likely pathogenic. Last evaluated: 2025-03-04. Review status: criteria provided, single submitter. Criteria: GeneDx Variant Classification Process June 2021. Collection method: clinical testing. Allele origin: germline. Affected: yes. Not counted in ClinVar's aggregate classification.
Comment: RNA studies demonstrate a damaging effect resulting in an in-frame skipping of exon 43 and a small proportion of protein with no critical domains or pathogenic variation (PMID: 36983702); Reported previously as a variant of uncertain significance and seen with a second paternally inherited variant (phase unknown) in a patient with progressive proximal bilateral leg weakness, elevated CK and aldolase levels, nonspecific myopathy on EMG and nerve conduction studies, and a diagnosis of dysferlinopathy (LGMD2B). Patient also harbored variants in two other genes that were not thought to be related to the phenotype (PMID: 27195159); Not observed at significant frequency in large population cohorts (gnomAD); In silico analysis supports that this missense variant has a deleterious effect on protein structure/function; This variant is associated with the following publications: (PMID: Chakravorty2021[PDF], 33144682, 33610434, 24438169, 27602406, 30564623, 36983702, 27195159, 39900102)

Blueprint Genetics
Classification: Likely pathogenic for DYSF-related disorders. Last evaluated: 2024-06-18. Review status: criteria provided, single submitter. Criteria: ACMG Guidelines, 2015. Collection method: clinical testing. Allele origin: germline. Affected: yes. Observed: 5 variant alleles. Not counted in ClinVar's aggregate classification.